The following is an entry in ClinVar:

NM_022168.4(IFIH1):c.2867T>C (p.Ile956Thr)

Gene: IFIH1 (interferon induced with helicase C domain 1; minus strand). Cytogenetic location: 2q24.2.
Variant type: single nucleotide variant.
Coding change: c.2867T>C on transcript NM_022168.4 (MANE Select); coding-DNA position 2867, T replaced by C.
Protein change: p.Ile956Thr; replaces isoleucine 956 with threonine.
Molecular consequence: missense variant.
Genome position (GRCh38, 1-based): chr2:162,267,510, A>G on the plus strand (T>C on the coding strand, the complement: IFIH1 is on the minus strand). VCF-style: chr2-162267510-A-G. GRCh37 (hg19) VCF-style: chr2-163124020-A-G.
Other names: short protein forms I956T.
Identifiers: ClinVar variation 2939713 (VCV002939713.3), dbSNP rs761313801, ClinGen allele CA1934049.

ClinVar aggregate classification (germline): Uncertain significance (1 of 4 stars; one submission).

Conditions:
Aicardi-Goutieres syndrome 7 (AGS7). Identifiers: Orphanet 51, MedGen C3888244, MONDO:0014367, OMIM 615846.
Singleton-Merten syndrome 1 (SGMRT1). Also called: Widened medullary cavities of bone, aortic calcification, abnormal dentition, and muscular weakness; Syndrome of widened medullary cavities of the metacarpals and phalanges, aortic calcification and abnormal dentition. Identifiers: Orphanet 85191, MedGen C4225427, MONDO:0024535, OMIM 182250.

Allele frequency attached by ClinVar (database versions not stated): gnomAD 0.00003; TOPMed 0.00002; ExAC 0.00003; gnomAD exomes 0.00002.
gnomAD v4.1: 29 of 1,613,908 alleles (0.0018%); highest among the groups gnomAD compares: Non-Finnish European, 0.0023%; no homozygotes.

Submission:

Labcorp Genetics (formerly Invitae), Labcorp
Classification: Uncertain significance for Aicardi-Goutieres syndrome 7; Singleton-Merten syndrome 1. Last evaluated: 2025-12-01. Review status: criteria provided, single submitter. Criteria: Invitae Variant Classification Sherloc (09022015). Collection method: clinical testing. Allele origin: germline.
Comment: This sequence change replaces isoleucine, which is neutral and non-polar, with threonine, which is neutral and polar, at codon 956 of the IFIH1 protein (p.Ile956Thr). This variant is present in population databases (rs761313801, gnomAD 0.006%). This variant has not been reported in the literature in individuals affected with IFIH1-related conditions. ClinVar contains an entry for this variant (Variation ID: 2939713). An algorithm developed to predict the effect of missense changes on protein structure and function outputs the following: PolyPhen-2: "Benign". The threonine amino acid residue is found in multiple mammalian species, which suggests that this missense change does not adversely affect protein function. In summary, the available evidence is currently insufficient to determine the role of this variant in disease. Therefore, it has been classified as a Variant of Uncertain Significance.